The following is an entry in ClinVar:

NM_017636.4(TRPM4):c.3250C>T (p.His1084Tyr)

Gene: TRPM4 (transient receptor potential cation channel subfamily M member 4; plus strand). Cytogenetic location: 19q13.33.
Variant type: single nucleotide variant.
Coding change: c.3250C>T on transcript NM_017636.4 (MANE Select); coding-DNA position 3250, C replaced by T.
Protein change: p.His1084Tyr; replaces histidine 1084 with tyrosine.
Molecular consequence: missense variant.
Genome position (GRCh38, 1-based): chr19:49,210,327, C>T. VCF-style: chr19-49210327-C-T. GRCh37 (hg19) VCF-style: chr19-49713584-C-T.
Other names: c.2815C>T, p.His939Tyr (NM_001195227.2); c.2905C>T, p.His969Tyr (NM_001321281.2); c.1642C>T, p.His548Tyr (NM_001321282.2); c.2728C>T, p.His910Tyr (NM_001321283.2); c.2188C>T, p.His730Tyr (NM_001321285.2); short protein forms H1084Y, H910Y, H548Y, H730Y, H939Y, H969Y.
Identifiers: ClinVar variation 2008915 (VCV002008915.4), dbSNP rs762933667, ClinGen allele CA9569826.

ClinVar aggregate classification (germline): Uncertain significance (1 of 4 stars; one submission).

Conditions:
Progressive familial heart block type IB (PFHB1B). Identifiers: Orphanet 871, MedGen C1970298, MONDO:0011474, OMIM 604559.

Allele frequency attached by ClinVar (database versions not stated): gnomAD 0.00001; gnomAD exomes 0.00001; TOPMed 0.00001; ExAC 0.00002.
gnomAD v4.1: 4 of 1,614,116 alleles (0.00025%); highest among the groups gnomAD compares: East Asian, 0.0089%; no homozygotes.

Submission:

Labcorp Genetics (formerly Invitae), Labcorp
Classification: Uncertain significance for Progressive familial heart block type IB. Last evaluated: 2023-06-14. Review status: criteria provided, single submitter. Criteria: Invitae Variant Classification Sherloc (09022015). Collection method: clinical testing. Allele origin: germline.
Comment: In summary, the available evidence is currently insufficient to determine the role of this variant in disease. Therefore, it has been classified as a Variant of Uncertain Significance. An algorithm developed to predict the effect of missense changes on protein structure and function (PolyPhen-2) suggests that this variant is likely to be disruptive. ClinVar contains an entry for this variant (Variation ID: 2008915). This variant has not been reported in the literature in individuals affected with TRPM4-related conditions. This variant is present in population databases (rs762933667, gnomAD 0.04%). This sequence change replaces histidine, which is basic and polar, with tyrosine, which is neutral and polar, at codon 1084 of the TRPM4 protein (p.His1084Tyr).